The following is an entry in ClinVar:

NM_001048174.2(MUTYH):c.1176G>C (p.Leu392=)

Gene: MUTYH (mutY DNA glycosylase; minus strand). Cytogenetic location: 1p34.1.
Variant type: single nucleotide variant.
Coding change: c.1176G>C on transcript NM_001048174.2 (MANE Select); coding-DNA position 1176, G replaced by C.
Protein change: p.Leu392=; no amino-acid change (leucine 392 retained).
Molecular consequence: synonymous variant. On other transcripts: non-coding transcript variant (2).
Genome position (GRCh38, 1-based): chr1:45,331,483, C>G on the plus strand (G>C on the coding strand, the complement: MUTYH is on the minus strand). VCF-style: chr1-45331483-C-G. GRCh37 (hg19) VCF-style: chr1-45797155-C-G.
Other names: c.1176G>C, p.Leu392= (NM_001048171.2, NM_001048173.2, NM_001293195.2); c.1179G>C, p.Leu393= (NM_001048172.2); c.1260G>C, p.Leu420= (NM_001128425.2); c.1221G>C, p.Leu407= (NM_001293190.2); c.1209G>C, p.Leu403= (NM_001293191.2); c.900G>C, p.Leu300= (NM_001293192.2, NM_001293196.2); c.831G>C, p.Leu277= (NM_001350650.2, NM_001350651.2); c.1251G>C, p.Leu417= (NM_012222.3).
Identifiers: ClinVar variation 464681 (VCV000464681.9), dbSNP rs747498831, ClinGen allele CA055794.

ClinVar aggregate classification (germline): Likely benign. Review status: criteria provided, multiple submitters, no conflicts (2 of 4 stars). 2 submissions from 2 submitters: Likely benign (2). Last evaluated 2024-05-30.

Conditions:
Familial adenomatous polyposis 2. Also called: COLORECTAL ADENOMATOUS POLYPOSIS, AUTOSOMAL RECESSIVE; ADENOMAS, MULTIPLE COLORECTAL, AUTOSOMAL RECESSIVE; MUTYH-associated polyposis; FAP type 2; MUTYH-related attenuated familial adenomatous polyposis; Adenomas, multiple colorectal. Identifiers: Orphanet 220460, Orphanet 247798, MedGen C3272841, MONDO:0012041, OMIM 608456.

Allele frequency attached by ClinVar (database versions not stated): gnomAD exomes 0.00001; ExAC 0.00002.
gnomAD v4.1: 3 of 1,614,184 alleles (0.00019%); highest among the groups gnomAD compares: South Asian, 0.0022%; no homozygotes.

Submissions (2):

All of Us Research Program, National Institutes of Health
Classification: Likely benign for Familial adenomatous polyposis 2. Last evaluated: 2024-05-30. Review status: criteria provided, single submitter. Criteria: ACMG Guidelines, 2015. Collection method: clinical testing. Allele origin: germline. Inheritance: Autosomal recessive inheritance. Observed: 1 variant allele, 1 heterozygote.
Comment: This study involves interpretation of variants in research participants for the purpose of population health screening. Participant phenotype was not available at the time of variant classification. Additional details can be found in publication PMID: 35346344, PMCID: PMC8962531

Labcorp Genetics (formerly Invitae), Labcorp
Classification: Likely benign for Familial adenomatous polyposis 2. Last evaluated: 2022-03-19. Review status: criteria provided, single submitter. Criteria: Invitae Variant Classification Sherloc (09022015). Collection method: clinical testing. Allele origin: germline.